The following is an entry in ClinVar:

NM_006208.3(ENPP1):c.*4641A>G

Gene: ENPP1 (ectonucleotide pyrophosphatase/phosphodiesterase 1; plus strand). Cytogenetic location: 6q23.2.
Variant type: single nucleotide variant.
Coding change: c.*4641A>G on transcript NM_006208.3 (MANE Select); 4641 bases downstream of the stop codon, A replaced by G.
Molecular consequence: 3 prime UTR variant.
Genome position (GRCh38, 1-based): chr6:131,895,152, A>G. VCF-style: chr6-131895152-A-G. GRCh37 (hg19) VCF-style: chr6-132216292-A-G.
Identifiers: ClinVar variation 355434 (VCV000355434.5), dbSNP rs545401301, ClinGen allele CA10625815.

ClinVar aggregate classification (germline): Benign. Review status: criteria provided, single submitter (1 of 4 stars). 2 submissions from 1 submitter: Benign (2). Last evaluated 2018-01-13.

Conditions:
Hypophosphatemic rickets, autosomal recessive, 2 (ARHR2). Identifiers: Orphanet 289176, MedGen C2750078, MONDO:0013219, OMIM 613312.
Arterial calcification, generalized, of infancy, 1 (GACI1). Also called: Idiopathic Infantile Arterial Calcification. Identifiers: Orphanet 51608, MedGen C4551985, MONDO:0008817, OMIM 208000.

Allele frequency attached by ClinVar (database versions not stated): gnomAD 0.00004 and 0.00075; TOPMed 0.00017; 1000 Genomes Project 30x 0.00640; 1000 Genomes Project 0.00719.

Submissions (2):

Illumina Laboratory Services, Illumina
Classification: Benign for Hypophosphatemic rickets, autosomal recessive, 2. Last evaluated: 2018-01-13. Review status: criteria provided, single submitter. Criteria: ICSL Variant Classification Criteria 13 December 2019. Collection method: clinical testing. Allele origin: germline.
Comment: This variant was observed in the ICSL laboratory as part of a predisposition screen in an ostensibly healthy population. It had not been previously curated by ICSL or reported in the Human Gene Mutation Database (HGMD: prior to June 1st, 2018), and was therefore a candidate for classification through an automated scoring system. Utilizing variant allele frequency, disease prevalence and penetrance estimates, and inheritance mode, an automated score was calculated to assess if this variant is too frequent to cause the disease. Based on the score and internal cut-off values, a variant classified as benign is not then subjected to further curation. The score for this variant resulted in a classification of benign for this disease.

Illumina Laboratory Services, Illumina
Classification: Benign for Arterial calcification, generalized, of infancy, 1. Last evaluated: 2018-01-13. Review status: criteria provided, single submitter. Criteria: ICSL Variant Classification Criteria 13 December 2019. Collection method: clinical testing. Allele origin: germline.
Comment: the same text as in the submission from Illumina Laboratory Services, Illumina above.